The following is an entry in ClinVar:

NM_022455.5(NSD1):c.805G>A (p.Glu269Lys)

Gene: NSD1 (nuclear receptor binding SET domain protein 1; plus strand). Cytogenetic location: 5q35.3.
Variant type: single nucleotide variant.
Coding change: c.805G>A on transcript NM_022455.5 (MANE Select); coding-DNA position 805, G replaced by A.
Protein change: p.Glu269Lys; replaces glutamic acid 269 with lysine.
Molecular consequence: missense variant. On other transcripts: intron variant (8).
Genome position (GRCh38, 1-based): chr5:177,135,908, G>A. VCF-style: chr5-177135908-G-A. GRCh37 (hg19) VCF-style: chr5-176562909-G-A.
Other names: c.805G>A, p.Glu269Lys (NM_001409301.1, NM_001409302.1, NM_001409303.1); c.418-33G>A (NM_001409304.1); c.-36-33G>A (NM_001409305.1, NM_001409306.1, NM_001409308.1 and 4 more transcripts); short protein forms E269K.
Identifiers: ClinVar variation 452876 (VCV000452876.13), dbSNP rs751787444, ClinGen allele CA3576957.
Genomic context (GRCh38, chr5:177,135,908, plus strand): 5'-GAAAAAGCAGCCCTTCTCCCAGCCCCCTTTTCACTAGGAGACACAAACATTACAATAGAA[G>A]AGCAATTAAACTCAATAAATTTATCTTTTCAGGATGATCCAGATTCCAGTACCAGTACAT-3'
Protein context (NP_071900.2, residues 259-279): SLGDTNITIE[Glu269Lys]QLNSINLSFQ

ClinVar aggregate classification (germline): Uncertain significance. Review status: criteria provided, multiple submitters, no conflicts (2 of 4 stars). 3 submissions from 3 submitters: Uncertain significance (3). Last evaluated 2021-07-15.

Conditions:
Sotos syndrome (SOTOS). Also called: CEREBRAL GIGANTISM; Sotos' syndrome; Distinctive facial appearance, overgrowth in childhood, and learning disabilities or delayed development; CHROMOSOME 5q35 DELETION SYNDROME; SOTOS SYNDROME 1. Identifiers: Orphanet 821, MedGen C0175695, MONDO:0019349, OMIM 117550.

Allele frequency attached by ClinVar (database versions not stated): TOPMed below 0.00001; ExAC 0.00001; gnomAD exomes below 0.00001.
gnomAD v4.1: 2 of 1,612,152 alleles (0.00012%); highest among the groups gnomAD compares: Non-Finnish European, 0.00017%; no homozygotes.

Submissions (3):

Genome-Nilou Lab
Classification: Uncertain significance for Sotos syndrome. Last evaluated: 2021-07-15. Review status: criteria provided, single submitter. Criteria: ACMG Guidelines, 2015. Collection method: clinical testing. Allele origin: germline. Affected: no.

Labcorp Genetics (formerly Invitae), Labcorp
Classification: Uncertain significance. Last evaluated: 2020-06-12. Review status: criteria provided, single submitter. Criteria: Invitae Variant Classification Sherloc (09022015). Collection method: clinical testing. Allele origin: germline.
Comment: In summary, the available evidence is currently insufficient to determine the role of this variant in disease. Therefore, it has been classified as a Variant of Uncertain Significance. Algorithms developed to predict the effect of missense changes on protein structure and function are either unavailable or do not agree on the potential impact of this missense change (SIFT: "Tolerated"; PolyPhen-2: "Probably Damaging"; Align-GVGD: "Class C0"). This variant has not been reported in the literature in individuals with NSD1-related conditions. ClinVar contains an entry for this variant (Variation ID: 452876). The frequency data for this variant in the population databases is considered unreliable, as metrics indicate poor data quality at this position in the ExAC database. This sequence change replaces glutamic acid with lysine at codon 269 of the NSD1 protein (p.Glu269Lys). The glutamic acid residue is weakly conserved and there is a small physicochemical difference between glutamic acid and lysine.

GeneDx
Classification: Uncertain significance. Last evaluated: 2017-10-30. Review status: criteria provided, single submitter. Criteria: GeneDx Variant Classification (06012015). Collection method: clinical testing. Allele origin: germline. Affected: yes.
Comment: The E269K variant in the NSD1 gene has not been reported previously as a pathogenic variant, nor as a benign variant, to our knowledge. The E269K variant is observed in 1/111,614 (0.001%) alleles from individuals of non-Finnish European background in large population cohorts (Lek et al., 2016). The E269K variant is a non-conservative amino acid substitution, which is likely to impact secondary protein structure as these residues differ in polarity, charge, size and/or other properties. This substitution occurs at a position that is conserved across species. In silico analysis is inconsistent in its predictions as to whether or not the variant is damaging to the protein structure/function. We interpret E269K as a variant of uncertain significance.